The following is an entry in ClinVar:

ClinVar aggregate classification (germline): Uncertain significance (1 of 4 stars; one submission).

Submission:

Mayo Clinic Laboratories, Mayo Clinic
Classification: Uncertain significance. Last evaluated: 2024-04-10. Review status: criteria provided, single submitter. Criteria: ACMG Guidelines, 2015. Collection method: clinical testing. Allele origin: germline. Observed: 1 variant allele.
Comment: PP3, PM2_moderate

NM_002693.3(POLG):c.1481A>C (p.Glu494Ala)

Gene: POLG (DNA polymerase gamma, catalytic subunit; minus strand). Cytogenetic location: 15q26.1.
Variant type: single nucleotide variant.
Coding change: c.1481A>C on transcript NM_002693.3 (MANE Select); coding-DNA position 1481, A replaced by C.
Protein change: p.Glu494Ala; replaces glutamic acid 494 with alanine.
Molecular consequence: missense variant.
Genome position (GRCh38, 1-based): chr15:89,327,016, T>G on the plus strand (A>C on the coding strand, the complement: POLG is on the minus strand). VCF-style: chr15-89327016-T-G. GRCh37 (hg19) VCF-style: chr15-89870247-T-G.
Other names: p.Glu494Ala; c.1481A>C, p.Glu494Ala (NM_001126131.2); short protein forms E494A.
Identifiers: ClinVar variation 3380322 (VCV003380322.1).